The following is an entry in ClinVar:

NM_178822.5(IGSF10):c.6398A>C (p.His2133Pro)

Gene: IGSF10 (immunoglobulin superfamily member 10; minus strand). Cytogenetic location: 3q25.1.
Variant type: single nucleotide variant.
Coding change: c.6398A>C on transcript NM_178822.5 (MANE Select); coding-DNA position 6398, A replaced by C.
Protein change: p.His2133Pro; replaces histidine 2133 with proline.
Molecular consequence: missense variant.
Genome position (GRCh38, 1-based): chr3:151,438,163, T>G on the plus strand (A>C on the coding strand, the complement: IGSF10 is on the minus strand). VCF-style: chr3-151438163-T-G. GRCh37 (hg19) VCF-style: chr3-151155951-T-G.
Other names: c.335A>C, p.His112Pro (NM_001178145.3, NM_001178146.3); c.6398A>C, p.His2133Pro (NM_001385060.1, NM_001385061.1, NM_001385062.1 and 1 more transcripts); short protein forms H112P, H2133P.
Identifiers: ClinVar variation 3108820 (VCV003108820.2), dbSNP rs747583871, ClinGen allele CA2669522.

ClinVar aggregate classification (germline): Uncertain significance. Review status: criteria provided, multiple submitters, no conflicts (2 of 4 stars). 2 submissions from 2 submitters: Uncertain significance (2). Last evaluated 2025-03-05.

Allele frequency attached by ClinVar (database versions not stated): ExAC 0.00002; gnomAD 0.00002; TOPMed 0.00002.
gnomAD v4.1: 30 of 1,614,088 alleles (0.0019%); highest among the groups gnomAD compares: Admixed American, 0.0067%; no homozygotes.

Submissions (2):

Labcorp Genetics (formerly Invitae), Labcorp
Classification: Uncertain significance. Last evaluated: 2025-03-05. Review status: criteria provided, single submitter. Criteria: Invitae Variant Classification Sherloc (09022015). Collection method: clinical testing. Allele origin: germline.
Comment: This sequence change replaces histidine, which is basic and polar, with proline, which is neutral and non-polar, at codon 2133 of the IGSF10 protein (p.His2133Pro). This variant is present in population databases (rs747583871, gnomAD 0.006%). This variant has not been reported in the literature in individuals affected with IGSF10-related conditions. ClinVar contains an entry for this variant (Variation ID: 3108820). An algorithm developed to predict the effect of missense changes on protein structure and function (PolyPhen-2) suggests that this variant is likely to be disruptive. In summary, the available evidence is currently insufficient to determine the role of this variant in disease. Therefore, it has been classified as a Variant of Uncertain Significance.

Ambry Genetics
Classification: Uncertain significance. Last evaluated: 2023-09-21. Review status: criteria provided, single submitter. Criteria: Ambry Variant Classification Scheme 2023. Collection method: clinical testing. Allele origin: germline.